The following is an entry in ClinVar:

NM_014484.5(MOCS3):c.1117A>T (p.Ile373Phe)

Gene: MOCS3 (molybdenum cofactor synthesis 3; plus strand). Cytogenetic location: 20q13.13.
Variant type: single nucleotide variant.
Coding change: c.1117A>T on transcript NM_014484.5 (MANE Select); coding-DNA position 1117, A replaced by T.
Protein change: p.Ile373Phe; replaces isoleucine 373 with phenylalanine.
Molecular consequence: missense variant.
Genome position (GRCh38, 1-based): chr20:50,959,959, A>T. VCF-style: chr20-50959959-A-T. GRCh37 (hg19) VCF-style: chr20-49576496-A-T.
Other names: short protein forms I373F.
Identifiers: ClinVar variation 2420717 (VCV002420717.6), dbSNP rs1256851589, ClinGen allele CA408986433.

ClinVar aggregate classification (germline): Uncertain significance (1 of 4 stars; one submission).

Allele frequency attached by ClinVar (database versions not stated): gnomAD exomes below 0.00001.
gnomAD v4.1: 1 of 1,614,260 alleles (0.000062%); highest among the groups gnomAD compares: Admixed American, 0.0017%; no homozygotes.

Submission:

Labcorp Genetics (formerly Invitae), Labcorp
Classification: Uncertain significance. Last evaluated: 2023-08-30. Review status: criteria provided, single submitter. Criteria: Invitae Variant Classification Sherloc (09022015). Collection method: clinical testing. Allele origin: germline.
Comment: This variant has not been reported in the literature in individuals affected with MOCS3-related conditions. This variant is present in population databases (no rsID available, gnomAD 0.003%). This sequence change replaces isoleucine, which is neutral and non-polar, with phenylalanine, which is neutral and non-polar, at codon 373 of the MOCS3 protein (p.Ile373Phe). ClinVar contains an entry for this variant (Variation ID: 2420717). An algorithm developed to predict the effect of missense changes on protein structure and function (PolyPhen-2) suggests that this variant is likely to be tolerated. In summary, the available evidence is currently insufficient to determine the role of this variant in disease. Therefore, it has been classified as a Variant of Uncertain Significance.